The following is an entry in ClinVar:

ClinVar aggregate classification (germline): Uncertain significance (1 of 4 stars; one submission).

Conditions:
Developmental and epileptic encephalopathy, 53. Also called: Epileptic encephalopathy, early infantile, 53. Identifiers: MedGen C4479313, MONDO:0033362, OMIM 617389.
Early-onset Parkinson disease 20. Also called: PARKINSON DISEASE 20, AUTOSOMAL RECESSIVE EARLY-ONSET. Identifiers: Orphanet 391411, MedGen C3809824, MONDO:0014233, OMIM 615530.

Allele frequency attached by ClinVar (database versions not stated): TOPMed below 0.00001; gnomAD 0.00001.
gnomAD v4.1: 1 of 1,610,916 alleles (0.000062%); no homozygotes.

Submission:

Labcorp Genetics (formerly Invitae), Labcorp
Classification: Uncertain significance for Developmental and epileptic encephalopathy, 53; Early-onset Parkinson disease 20. Last evaluated: 2020-10-01. Review status: criteria provided, single submitter. Criteria: Invitae Variant Classification Sherloc (09022015). Collection method: clinical testing. Allele origin: germline.
Comment: In summary, the available evidence is currently insufficient to determine the role of this variant in disease. Therefore, it has been classified as a Variant of Uncertain Significance. Algorithms developed to predict the effect of missense changes on protein structure and function are either unavailable or do not agree on the potential impact of this missense change (SIFT: "Deleterious"; PolyPhen-2: "Probably Damaging"; Align-GVGD: "Class C0"). This variant has not been reported in the literature in individuals with SYNJ1-related disease. This variant is not present in population databases (ExAC no frequency). This sequence change replaces leucine with histidine at codon 1038 of the SYNJ1 protein (p.Leu1038His). The leucine residue is highly conserved and there is a moderate physicochemical difference between leucine and histidine.

NM_203446.3(SYNJ1):c.2996T>A (p.Leu999His)

Gene: SYNJ1 (synaptojanin 1; minus strand). Cytogenetic location: 21q22.11.
Variant type: single nucleotide variant.
Coding change: c.2996T>A on transcript NM_203446.3 (MANE Select); coding-DNA position 2996, T replaced by A.
Protein change: p.Leu999His; replaces leucine 999 with histidine.
Molecular consequence: missense variant.
Genome position (GRCh38, 1-based): chr21:32,650,225, A>T on the plus strand (T>A on the coding strand, the complement: SYNJ1 is on the minus strand). VCF-style: chr21-32650225-A-T. GRCh37 (hg19) VCF-style: chr21-34022535-A-T.
Other names: c.2996T>A, p.Leu999His (NM_001160302.2); c.2981T>A, p.Leu994His (NM_001160306.2); c.3113T>A, p.Leu1038His (NM_003895.4); short protein forms L1038H, L994H, L999H.
Identifiers: ClinVar variation 663525 (VCV000663525.9), dbSNP rs1601283152, ClinGen allele CA410070533.